The following is an entry in ClinVar:

NM_017807.4(OSGEP):c.434G>A (p.Arg145His)

Gene: OSGEP (O-sialoglycoprotein endopeptidase; minus strand). Cytogenetic location: 14q11.2.
Variant type: single nucleotide variant.
Coding change: c.434G>A on transcript NM_017807.4 (MANE Select); coding-DNA position 434, G replaced by A.
Protein change: p.Arg145His; replaces arginine 145 with histidine.
Molecular consequence: missense variant.
Genome position (GRCh38, 1-based): chr14:20,449,244, C>T on the plus strand (G>A on the coding strand, the complement: OSGEP is on the minus strand). VCF-style: chr14-20449244-C-T. GRCh37 (hg19) VCF-style: chr14-20917403-C-T.
Other names: short protein forms R145H.
Identifiers: ClinVar variation 2141882 (VCV002141882.1), dbSNP rs138925511, ClinGen allele CA7081216.

ClinVar aggregate classification (germline): Uncertain significance (1 of 4 stars; one submission).

Allele frequency attached by ClinVar (database versions not stated): ExAC 0.00001; gnomAD exomes 0.00002; TOPMed 0.00003; gnomAD 0.00005; ESP Exome Variant Server 0.00008.
gnomAD v4.1: 35 of 1,610,778 alleles (0.0022%); highest among the groups gnomAD compares: African/African-American, 0.013%; no homozygotes.

Submission:

Labcorp Genetics (formerly Invitae), Labcorp
Classification: Uncertain significance. Last evaluated: 2022-02-28. Review status: criteria provided, single submitter. Criteria: Invitae Variant Classification Sherloc (09022015). Collection method: clinical testing. Allele origin: germline.
Comment: This sequence change replaces arginine, which is basic and polar, with histidine, which is basic and polar, at codon 145 of the OSGEP protein (p.Arg145His). This variant is present in population databases (rs138925511, gnomAD 0.01%). This variant has not been reported in the literature in individuals affected with OSGEP-related conditions. Algorithms developed to predict the effect of missense changes on protein structure and function are either unavailable or do not agree on the potential impact of this missense change (SIFT: "Deleterious"; PolyPhen-2: "Benign"; Align-GVGD: "Class C0"). In summary, the available evidence is currently insufficient to determine the role of this variant in disease. Therefore, it has been classified as a Variant of Uncertain Significance.